The following is an entry in ClinVar:

ClinVar aggregate classification (germline): Likely benign. Review status: criteria provided, multiple submitters, no conflicts (2 of 4 stars). 2 submissions from 2 submitters: Likely benign (2). Last evaluated 2025-07-23.

Allele frequency attached by ClinVar (database versions not stated): gnomAD exomes 0.00049 and 0.00014; ExAC 0.00063; ESP Exome Variant Server 0.00169; TOPMed 0.00191; 1000 Genomes Project 30x 0.00328; gnomAD 0.00182 and 0.00196; 1000 Genomes Project 0.00300.
gnomAD v4.1: 500 of 1,614,066 alleles (0.031%); highest among the groups gnomAD compares: African/African-American, 0.58%; 1 homozygote.

Submissions (2):

Mayo Clinic Laboratories, Mayo Clinic
Classification: Likely benign. Last evaluated: 2025-07-23. Review status: criteria provided, single submitter. Criteria: ACMG Guidelines, 2015. Collection method: clinical testing. Allele origin: germline. Observed: 1 variant allele.
Comment: BS1_supporting, BS2_supporting

Labcorp Genetics (formerly Invitae), Labcorp
Classification: Likely benign. Last evaluated: 2019-12-31. Review status: criteria provided, single submitter. Criteria: Invitae Variant Classification Sherloc (09022015). Collection method: clinical testing. Allele origin: germline.

NM_000930.5(PLAT):c.101C>A (p.Ala34Asp)

Gene: PLAT (plasminogen activator, tissue type; minus strand). Cytogenetic location: 8p11.21.
Variant type: single nucleotide variant.
Coding change: c.101C>A on transcript NM_000930.5 (MANE Select); coding-DNA position 101, C replaced by A.
Protein change: p.Ala34Asp; replaces alanine 34 with aspartic acid.
Molecular consequence: missense variant.
Genome position (GRCh38, 1-based): chr8:42,191,386, G>T on the plus strand (C>A on the coding strand, the complement: PLAT is on the minus strand). VCF-style: chr8-42191386-G-T. GRCh37 (hg19) VCF-style: chr8-42048904-G-T.
Other names: p.Ala34Asp; c.101C>A, p.Ala34Asp (NM_001319189.2, NM_033011.4); short protein forms A34D.
Identifiers: ClinVar variation 713754 (VCV000713754.5), dbSNP rs8178733, ClinGen allele CA4731465.
Genomic context (GRCh38, chr8:42,191,386, plus strand): 5'-TGCCTCCCTCCCTGATGACCCCATGCACCCCTCAGCTTCACCCGACCTTGGTAAGATCTG[G>T]CTCCTCTTCTGAATCGGGCATGGATTTCCTGCGAAGAAACCAGAGGTGGAGGAAGGATCA-3'
Protein context (NP_000921.1, residues 24-44): QEIHARFRRG[Ala34Asp]RSYQVICRDE